The following is an entry in ClinVar:

ClinVar aggregate classification (germline): Uncertain significance (1 of 4 stars; one submission).

Allele frequency attached by ClinVar (database versions not stated): gnomAD exomes below 0.00001; TOPMed 0.00001.

Submission:

Labcorp Genetics (formerly Invitae), Labcorp
Classification: Uncertain significance. Last evaluated: 2024-10-07. Review status: criteria provided, single submitter. Criteria: Invitae Variant Classification Sherloc (09022015). Collection method: clinical testing. Allele origin: germline.
Comment: This sequence change replaces cysteine, which is neutral and slightly polar, with arginine, which is basic and polar, at codon 330 of the WNT1 protein (p.Cys330Arg). This variant is not present in population databases (gnomAD no frequency). This variant has not been reported in the literature in individuals affected with WNT1-related conditions. ClinVar contains an entry for this variant (Variation ID: 2005274). Invitae Evidence Modeling of protein sequence and biophysical properties (such as structural, functional, and spatial information, amino acid conservation, physicochemical variation, residue mobility, and thermodynamic stability) indicates that this missense variant is expected to disrupt WNT1 protein function with a positive predictive value of 80%. In summary, the available evidence is currently insufficient to determine the role of this variant in disease. Therefore, it has been classified as a Variant of Uncertain Significance.

NM_005430.4(WNT1):c.988T>C (p.Cys330Arg)

Gene: WNT1 (Wnt family member 1; plus strand). Cytogenetic location: 12q13.12.
Variant type: single nucleotide variant.
Coding change: c.988T>C on transcript NM_005430.4 (MANE Select); coding-DNA position 988, T replaced by C.
Protein change: p.Cys330Arg; replaces cysteine 330 with arginine.
Molecular consequence: missense variant.
Genome position (GRCh38, 1-based): chr12:48,981,515, T>C. VCF-style: chr12-48981515-T-C. GRCh37 (hg19) VCF-style: chr12-49375298-T-C.
Other names: short protein forms C330R.
Identifiers: ClinVar variation 2005274 (VCV002005274.4), dbSNP rs1941014226, ClinGen allele CA384637965.